The following is an entry in ClinVar:

NC_000003.11:g.(?_33155570)_(33156060_?)del

Gene: CRTAP (cartilage associated protein; plus strand). Cytogenetic location: 3p22.3.
Variant type: Deletion.
Identifiers: ClinVar variation 2425587 (VCV002425587.4).

ClinVar aggregate classification (germline): Pathogenic (1 of 4 stars; one submission).

Conditions:
Osteogenesis imperfecta type 7 (OI7). Also called: OSTEOGENESIS IMPERFECTA, TYPE IIB; Osteogenesis imperfecta type 2B; OI type 2B; Osteogenesis imperfecta, perinatal lethal autosomal recessive; OI type IIB; OI type 7. Identifiers: MedGen C1853162, MONDO:0012536, OMIM 610682.

Submission:

Labcorp Genetics (formerly Invitae), Labcorp
Classification: Pathogenic for Osteogenesis imperfecta type 7. Last evaluated: 2023-07-25. Review status: criteria provided, single submitter. Criteria: Invitae Variant Classification Sherloc (09022015). Collection method: clinical testing. Allele origin: germline.
Comment: For these reasons, this variant has been classified as Pathogenic. A similar copy number variant has been observed in individual(s) with CRTAP-related conditions (PMID: 27509835). This variant is a gross deletion of the genomic region encompassing exon(s) 1 of the CRTAP gene, which includes the initiator codon. This deletion extends beyond the assayed region for this gene and therefore may encompass additional genes. It is expected to result in an absent or disrupted protein product. Loss-of-function variants in CRTAP are known to be pathogenic (PMID: 17055431, 19862557, 24715559).

Literature cited by the submitters: PubMed 27509835; PubMed 17055431; PubMed 19862557; PubMed 24715559.